The following is an entry in ClinVar:

ClinVar aggregate classification (germline): Pathogenic (3 of 4 stars; one submission).

Conditions:
Breast-ovarian cancer, familial, susceptibility to, 1 (BROVCA1). Also called: BRCA1 Hereditary Breast and Ovarian Cancer; OVARIAN CANCER, SUSCEPTIBILITY TO. Identifiers: Orphanet 145, MedGen C2676676, MONDO:0011450, OMIM 604370. Disease mechanism: loss of function.

Submission:

Evidence-based Network for the Interpretation of Germline Mutant Alleles (ENIGMA)
Classification: Pathogenic for Breast-ovarian cancer, familial, susceptibility to, 1. Last evaluated: 2017-12-15. Review status: reviewed by expert panel. Criteria: ENIGMA BRCA1/2 Classification Criteria (2017-06-29). Collection method: curation. Allele origin: germline. Study: ENIGMA.
Comment: Variant allele predicted to encode a truncated non-functional protein.

NM_007294.4(BRCA1):c.3257_3258insGA (p.Gly1087fs)

Genes: BRCA1 (BRCA1 DNA repair associated; minus strand), LOC126862571 (BRD4-independent group 4 enhancer GRCh37_chr17:41243136-41244335; plus strand). Cytogenetic location: 17q21.31.
Variant type: Insertion.
Coding change: c.3257_3258insGA on transcript NM_007294.4 (MANE Select); coding-DNA positions 3257 to 3258, GA inserted.
Protein change: p.Gly1087fs; shifts the reading frame from glycine 1087.
Molecular consequence: frameshift variant. On other transcripts: intron variant (137).
Genome position: GRCh38 VCF-style: chr17-43092273-T-TTC. GRCh37 (hg19) VCF-style: chr17-41244290-T-TTC.
Other names: c.653-1242_653-1241insGA (NM_001408451.1); c.644-1242_644-1241insGA (NM_001408464.1, NM_001408468.1, NM_001408465.1 and 3 more transcripts); c.524-1242_524-1241insGA (NM_001408498.1, NM_001408501.1, NM_001408500.1 and 3 more transcripts); c.647-1242_647-1241insGA (NM_001408467.1, NM_001408459.1, NM_001408455.1 and 11 more transcripts); c.584-1242_584-1241insGA (NM_001408475.1); c.710-1242_710-1241insGA (NM_001408412.1, NM_001408409.1, NM_001408414.1 and 2 more transcripts); c.452-1242_452-1241insGA (NM_001408509.1, NM_001408508.1); c.575-1242_575-1241insGA (NM_001408491.1, NM_001408493.1, NM_001408490.1); and 41 more; short protein forms G1087fs, G1040fs, G1045fs, G1046fs, G960fs, G1019fs, G1039fs, G919fs.
Identifiers: ClinVar variation 548173 (VCV000548173.2), dbSNP rs1555588074, ClinGen allele CA658823977.